The following is an entry in ClinVar:

ClinVar aggregate classification (germline): Pathogenic (1 of 4 stars; one submission).

Allele frequency attached by ClinVar (database versions not stated): gnomAD exomes below 0.00001.
gnomAD v4.1: 1 of 1,613,848 alleles (0.000062%); highest among the groups gnomAD compares: Non-Finnish European, 0.000085%; no homozygotes.

Submission:

Labcorp Genetics (formerly Invitae), Labcorp
Classification: Pathogenic. Last evaluated: 2021-11-15. Review status: criteria provided, single submitter. Criteria: Invitae Variant Classification Sherloc (09022015). Collection method: clinical testing. Allele origin: germline.
Comment: This variant is not present in population databases (gnomAD no frequency). For these reasons, this variant has been classified as Pathogenic. This variant has not been reported in the literature in individuals affected with ITPR1-related conditions. This sequence change creates a premature translational stop signal (p.Arg778*) in the ITPR1 gene. It is expected to result in an absent or disrupted protein product. Loss-of-function variants in ITPR1 are known to be pathogenic (PMID: 17590087, 21367767, 21555639, 27108797).

Literature cited by the submitters: PubMed 17590087; PubMed 21367767; PubMed 21555639; PubMed 27108797.

NM_001378452.1(ITPR1):c.2377C>T (p.Arg793Ter)

Gene: ITPR1 (inositol 1,4,5-trisphosphate receptor type 1; plus strand). Cytogenetic location: 3p26.1.
Variant type: single nucleotide variant.
Coding change: c.2377C>T on transcript NM_001378452.1 (MANE Select); coding-DNA position 2377, C replaced by T.
Protein change: p.Arg793Ter; replaces arginine 793 with a stop codon.
Molecular consequence: nonsense.
Genome position (GRCh38, 1-based): chr3:4,673,308, C>T. VCF-style: chr3-4673308-C-T. GRCh37 (hg19) VCF-style: chr3-4714992-C-T.
Other names: c.2377C>T, p.Arg793Ter (NM_001099952.4); c.2332C>T, p.Arg778Ter (NM_001168272.2, NM_002222.7); short protein forms R793*, R778*.
Identifiers: ClinVar variation 1456420 (VCV001456420.6), dbSNP rs2125214086, ClinGen allele CA351647012.